The following is an entry in ClinVar:

ClinVar aggregate classification (germline): Uncertain significance. Review status: criteria provided, multiple submitters, no conflicts (2 of 4 stars). 5 submissions from 5 submitters: Uncertain significance (5). Last evaluated 2025-08-18.

Conditions:
ADGRV1-related disorder. Also called: ADGRV1-related condition; ADGRV1-related disorders.
Usher syndrome type 2C. Also called: Usher syndrome, type 2B; USHER SYNDROME, TYPE IIC. Identifiers: Orphanet 231178, Orphanet 886, MedGen C2931213, MONDO:0011558, OMIM 605472.
Febrile seizures, familial, 4 (FEB4). Also called: CONVULSIONS, FAMILIAL FEBRILE, 4. Identifiers: MedGen C1858493, MONDO:0011443, OMIM 604352.

Allele frequency attached by ClinVar (database versions not stated): ExAC 0.00001; gnomAD exomes 0.00004 and 0.00014; TOPMed 0.00006; gnomAD 0.00009.
gnomAD v4.1: 209 of 1,603,036 alleles (0.013%); highest among the groups gnomAD compares: Non-Finnish European, 0.017%; no homozygotes.

Submissions (5):

PreventionGenetics, part of Exact Sciences
Classification: Uncertain significance for ADGRV1-related condition. Last evaluated: 2025-08-18. Review status: criteria provided, single submitter. Criteria: ACMG Guidelines, 2015. Collection method: clinical testing. Allele origin: germline.
Comment: The ADGRV1 c.18629C>T variant is predicted to result in the amino acid substitution p.Pro6210Leu. This variant has been reported in an individual with hearing loss (Table S12, Lewis et al. 2018. PubMed ID: 30180840); however, information on zygosity or whether a second variant was identified was not provided. This variant is reported in 0.0092% of alleles in individuals of European (Non-Finnish) descent in gnomAD. At this time, the clinical significance of this variant is uncertain due to the absence of conclusive functional and genetic evidence.

GeneDx
Classification: Uncertain significance. Last evaluated: 2025-08-02. Review status: criteria provided, single submitter. Criteria: GeneDx Variant Classification Process June 2021. Collection method: clinical testing. Allele origin: germline. Affected: yes.
Comment: In silico analysis supports that this missense variant has a deleterious effect on protein structure/function; Reported in association with hearing loss in published literature (PMID: 30180840); This variant is associated with the following publications: (PMID: 30180840)

Labcorp Genetics (formerly Invitae), Labcorp
Classification: Uncertain significance. Last evaluated: 2025-01-13. Review status: criteria provided, single submitter. Criteria: Invitae Variant Classification Sherloc (09022015). Collection method: clinical testing. Allele origin: germline.
Comment: This sequence change replaces proline, which is neutral and non-polar, with leucine, which is neutral and non-polar, at codon 6210 of the ADGRV1 protein (p.Pro6210Leu). This variant is present in population databases (rs749622020, gnomAD 0.009%). This variant has not been reported in the literature in individuals affected with ADGRV1-related conditions. ClinVar contains an entry for this variant (Variation ID: 842040). An algorithm developed to predict the effect of missense changes on protein structure and function outputs the following: PolyPhen-2: "Possibly Damaging". The leucine amino acid residue is found in multiple mammalian species, which suggests that this missense change does not adversely affect protein function. In summary, the available evidence is currently insufficient to determine the role of this variant in disease. Therefore, it has been classified as a Variant of Uncertain Significance.

Blueprint Genetics
Classification: Uncertain significance. Last evaluated: 2024-10-28. Review status: criteria provided, single submitter. Criteria: ACMG Guidelines, 2015. Collection method: clinical testing. Allele origin: germline.

Fulgent Genetics
Classification: Uncertain significance for Febrile seizures, familial, 4; Usher syndrome type 2C. Last evaluated: 2022-01-04. Review status: criteria provided, single submitter. Criteria: ACMG Guidelines, 2015. Collection method: clinical testing. Allele origin: unknown.

NM_032119.4(ADGRV1):c.18629C>T (p.Pro6210Leu)

Gene: ADGRV1 (adhesion G protein-coupled receptor V1; plus strand). Cytogenetic location: 5q14.3.
Variant type: single nucleotide variant.
Coding change: c.18629C>T on transcript NM_032119.4 (MANE Select); coding-DNA position 18629, C replaced by T.
Protein change: p.Pro6210Leu; replaces proline 6210 with leucine.
Molecular consequence: missense variant. On other transcripts: non-coding transcript variant (1).
Genome position (GRCh38, 1-based): chr5:91,153,225, C>T. VCF-style: chr5-91153225-C-T. GRCh37 (hg19) VCF-style: chr5-90449042-C-T.
Other names: short protein forms P6210L.
Identifiers: ClinVar variation 842040 (VCV000842040.10), dbSNP rs749622020, ClinGen allele CA3342717.